The following is an entry in ClinVar:

NM_015409.5(EP400):c.9135G>A (p.Thr3045=)

Gene: EP400 (E1A binding protein p400; plus strand). Cytogenetic location: 12q24.33.
Variant type: single nucleotide variant.
Coding change: c.9135G>A on transcript NM_015409.5 (MANE Select); coding-DNA position 9135, G replaced by A.
Protein change: p.Thr3045=; no amino-acid change (threonine 3045 retained).
Molecular consequence: synonymous variant.
Genome position (GRCh38, 1-based): chr12:132,077,436, G>A. VCF-style: chr12-132077436-G-A. GRCh37 (hg19) VCF-style: chr12-132561981-G-A.
Identifiers: ClinVar variation 3040755 (VCV003040755.2), dbSNP rs531958361, ClinGen allele CA6887443.

ClinVar aggregate classification (germline): Likely benign (0 of 4 stars; one submission).

Conditions:
EP400-related disorder. Also called: EP400-related condition.

Allele frequency attached by ClinVar (database versions not stated): gnomAD 0.00009; 1000 Genomes Project 30x 0.00016; ExAC 0.00019; 1000 Genomes Project 0.00020.
gnomAD v4.1: 128 of 1,612,786 alleles (0.0079%); highest among the groups gnomAD compares: East Asian, 0.13%; no homozygotes.

Submission:

PreventionGenetics, part of Exact Sciences
Classification: Likely benign for EP400-related condition. Last evaluated: 2019-10-28. Review status: no assertion criteria provided. Collection method: clinical testing. Allele origin: germline.
Comment: This variant is classified as likely benign based on ACMG/AMP sequence variant interpretation guidelines (Richards et al. 2015 PMID: 25741868, with internal and published modifications).